The following is an entry in ClinVar:

ClinVar aggregate classification (germline): Uncertain significance. Review status: criteria provided, multiple submitters, no conflicts (2 of 4 stars). 4 submissions from 4 submitters: Uncertain significance (4). Last evaluated 2025-01-20.

Conditions:
Fraser syndrome 2 (FRASRS2). Identifiers: MedGen C4540036, MONDO:0054738, OMIM 617666.
Isolated cryptophthalmia. Also called: Cryptophthalmos, unilateral or bilateral, isolated; ANKYLOBLEPHARON, SIMPLE. Identifiers: Orphanet 91396, MedGen C1852453, MONDO:0007410, OMIM 123570.
Inborn genetic diseases. Identifiers: MedGen C0950123, MeSH D030342.

Allele frequency attached by ClinVar (database versions not stated): ExAC 0.00001; TOPMed 0.00001; gnomAD exomes 0.00002 and 0.00004; gnomAD 0.00004.
gnomAD v4.1: 62 of 1,614,056 alleles (0.0038%); highest among the groups gnomAD compares: Middle Eastern, 0.016%; no homozygotes.

Submissions (4):

Labcorp Genetics (formerly Invitae), Labcorp
Classification: Uncertain significance. Last evaluated: 2025-01-20. Review status: criteria provided, single submitter. Criteria: Invitae Variant Classification Sherloc (09022015). Collection method: clinical testing. Allele origin: germline.
Comment: This sequence change replaces glycine, which is neutral and non-polar, with aspartic acid, which is acidic and polar, at codon 1608 of the FREM2 protein (p.Gly1608Asp). This variant is present in population databases (rs767651775, gnomAD 0.01%). This variant has not been reported in the literature in individuals affected with FREM2-related conditions. ClinVar contains an entry for this variant (Variation ID: 881065). Invitae Evidence Modeling of protein sequence and biophysical properties (such as structural, functional, and spatial information, amino acid conservation, physicochemical variation, residue mobility, and thermodynamic stability) indicates that this missense variant is not expected to disrupt FREM2 protein function with a negative predictive value of 80%. In summary, the available evidence is currently insufficient to determine the role of this variant in disease. Therefore, it has been classified as a Variant of Uncertain Significance.

Fulgent Genetics
Classification: Uncertain significance for Isolated cryptophthalmia; Fraser syndrome 2. Last evaluated: 2024-04-12. Review status: criteria provided, single submitter. Criteria: ACMG Guidelines, 2015. Collection method: clinical testing. Allele origin: germline.

Ambry Genetics
Classification: Uncertain significance for Inborn genetic diseases. Last evaluated: 2021-10-27. Review status: criteria provided, single submitter. Criteria: Ambry Variant Classification Scheme 2023. Collection method: clinical testing. Allele origin: germline.

Illumina Laboratory Services, Illumina
Classification: Uncertain significance for Fraser syndrome 2. Last evaluated: 2018-01-12. Review status: criteria provided, single submitter. Criteria: ICSL Variant Classification Criteria 13 December 2019. Collection method: clinical testing. Allele origin: germline.

NM_207361.6(FREM2):c.4823G>A (p.Gly1608Asp)

Gene: FREM2 (FRAS1 related extracellular matrix 2; plus strand). Cytogenetic location: 13q13.3.
Variant type: single nucleotide variant.
Coding change: c.4823G>A on transcript NM_207361.6 (MANE Select); coding-DNA position 4823, G replaced by A.
Protein change: p.Gly1608Asp; replaces glycine 1608 with aspartic acid.
Molecular consequence: missense variant.
Genome position (GRCh38, 1-based): chr13:38,692,167, G>A. VCF-style: chr13-38692167-G-A. GRCh37 (hg19) VCF-style: chr13-39266304-G-A.
Other names: short protein forms G1608D.
Identifiers: ClinVar variation 881065 (VCV000881065.8), dbSNP rs767651775, ClinGen allele CA6955078.
Genomic context (GRCh38, chr13:38,692,167, plus strand): 5'-CTGTCATGGTTTTTACCAAGCAAGACTTGAATGAAAACTTAATCAGCTACAAACATGATG[G>A]CACTGAGTCAAGTGAAGATAGCTTCTCCTTCACAGTGACTGATGGCACCCATACAGACTT-3'
Protein context (NP_997244.4, residues 1598-1618): NENLISYKHD[Gly1608Asp]TESSEDSFSF